The following is an entry in ClinVar:

NM_004336.5(BUB1):c.2447A>C (p.Gln816Pro)

Gene: BUB1 (BUB1 mitotic checkpoint serine/threonine kinase; minus strand). Cytogenetic location: 2q13.
Variant type: single nucleotide variant.
Coding change: c.2447A>C on transcript NM_004336.5 (MANE Select); coding-DNA position 2447, A replaced by C.
Protein change: p.Gln816Pro; replaces glutamine 816 with proline.
Molecular consequence: missense variant.
Genome position (GRCh38, 1-based): chr2:110,642,135, T>G on the plus strand (A>C on the coding strand, the complement: BUB1 is on the minus strand). VCF-style: chr2-110642135-T-G. GRCh37 (hg19) VCF-style: chr2-111399712-T-G.
Other names: c.2387A>C, p.Gln796Pro (NM_001278616.2); c.2447A>C, p.Gln816Pro (NM_001278617.2); short protein forms Q816P, Q796P.
Identifiers: ClinVar variation 1791402 (VCV001791402.2), dbSNP rs2467973387, ClinGen allele CA348090832.

ClinVar aggregate classification (germline): Uncertain significance (1 of 4 stars; one submission).

Allele frequency attached by ClinVar (database versions not stated): gnomAD exomes below 0.00001.
gnomAD v4.1: 1 of 1,608,296 alleles (0.000062%); highest among the groups gnomAD compares: Middle Eastern, 0.017%; no homozygotes.

Submission:

Ambry Genetics
Classification: Uncertain significance. Last evaluated: 2022-03-06. Review status: criteria provided, single submitter. Criteria: Ambry Variant Classification Scheme 2023. Collection method: clinical testing. Allele origin: germline.
Comment: The p.Q816P variant (also known as c.2447A>C), located in coding exon 20 of the BUB1 gene, results from an A to C substitution at nucleotide position 2447. The glutamine at codon 816 is replaced by proline, an amino acid with similar properties. This amino acid position is conserved. In addition, the in silico prediction for this alteration is inconclusive. Since supporting evidence is limited at this time, the clinical significance of this alteration remains unclear.